The following is an entry in ClinVar:

NM_001458.5(FLNC):c.4580+6G>T

Gene: FLNC (filamin C; plus strand). Cytogenetic location: 7q32.1.
Variant type: single nucleotide variant.
Coding change: c.4580+6G>T on transcript NM_001458.5 (MANE Select); 6 bases into the intron after coding-DNA position 4580, G replaced by T.
Molecular consequence: intron variant.
Genome position (GRCh38, 1-based): chr7:128,848,074, G>T. VCF-style: chr7-128848074-G-T. GRCh37 (hg19) VCF-style: chr7-128488128-G-T.
Other names: c.4580+6G>T (NM_001127487.2).
Identifiers: ClinVar variation 4812799 (VCV004812799.1).

ClinVar aggregate classification (germline): Uncertain significance (1 of 4 stars; one submission).

Conditions:
Hypertrophic cardiomyopathy 26. Also called: Cardiomyopathy, familial hypertrophic, 26. Identifiers: Orphanet 75249, MedGen C4310749, MONDO:0014883, OMIM 617047.
Myofibrillar myopathy 5. Also called: Filaminopathy (type); FILAMINOPATHY, AUTOSOMAL DOMINANT. Identifiers: Orphanet 171445, MedGen C1836050, MONDO:0012289, OMIM 609524.
Distal myopathy with posterior leg and anterior hand involvement. Also called: WILLIAMS DISTAL MYOPATHY. Identifiers: Orphanet 63273, MedGen C3279722, MONDO:0013550, OMIM 614065.

gnomAD v4.1: 2 of 1,600,126 alleles (0.00012%); highest among the groups gnomAD compares: African/African-American, 0.0013%; no homozygotes.

Submission:

Labcorp Genetics (formerly Invitae), Labcorp
Classification: Uncertain significance for Distal myopathy with posterior leg and anterior hand involvement; Myofibrillar myopathy 5; Hypertrophic cardiomyopathy 26. Last evaluated: 2025-12-01. Review status: criteria provided, single submitter. Criteria: Invitae Variant Classification Sherloc (09022015). Collection method: clinical testing. Allele origin: germline.
Comment: This sequence change falls in intron 26 of the FLNC gene. It does not directly change the encoded amino acid sequence of the FLNC protein. It affects a nucleotide within the consensus splice site. This variant is present in population databases (no rsID available, gnomAD 0.01%). This variant has not been reported in the literature in individuals affected with FLNC-related conditions. Variants that disrupt the consensus splice site are a relatively common cause of aberrant splicing (PMID: 17576681, 9536098). Algorithms developed to predict the effect of sequence changes on RNA splicing suggest that this variant is not likely to affect RNA splicing. In summary, the available evidence is currently insufficient to determine the role of this variant in disease. Therefore, it has been classified as a Variant of Uncertain Significance.

Literature cited by the submitters: PubMed 17576681; PubMed 9536098.